The following is an entry in ClinVar:

ClinVar aggregate classification (germline): Pathogenic (1 of 4 stars; one submission).

Conditions:
Hereditary spastic paraplegia 39 (SPG39). Also called: SPASTIC PARAPLEGIA 39, AUTOSOMAL RECESSIVE; Spastic Paraplegia Type 39 (SPG39). Identifiers: Orphanet 139480, MedGen C2677586, MONDO:0012787, OMIM 612020.

Submission:

Labcorp Genetics (formerly Invitae), Labcorp
Classification: Pathogenic for Hereditary spastic paraplegia 39. Last evaluated: 2025-08-09. Review status: criteria provided, single submitter. Criteria: Invitae Variant Classification Sherloc (09022015). Collection method: clinical testing. Allele origin: germline.
Comment: This sequence change creates a premature translational stop signal (p.Arg861*) in the PNPLA6 gene. It is expected to result in an absent or disrupted protein product. Loss-of-function variants in PNPLA6 are known to be pathogenic (PMID: 24355708). This variant is not present in population databases (gnomAD no frequency). This variant has not been reported in the literature in individuals affected with PNPLA6-related conditions. For these reasons, this variant has been classified as Pathogenic.

Literature cited by the submitters: PubMed 24355708.

NM_001166114.2(PNPLA6):c.2695C>T (p.Arg899Ter)

Gene: PNPLA6 (patatin like domain 6, lysophospholipase; plus strand). Cytogenetic location: 19p13.2.
Variant type: single nucleotide variant.
Coding change: c.2695C>T on transcript NM_001166114.2 (MANE Select); coding-DNA position 2695, C replaced by T.
Protein change: p.Arg899Ter; replaces arginine 899 with a stop codon.
Molecular consequence: nonsense.
Genome position (GRCh38, 1-based): chr19:7,554,953, C>T. VCF-style: chr19-7554953-C-T. GRCh37 (hg19) VCF-style: chr19-7619839-C-T.
Other names: c.2725C>T, p.Arg909Ter (NM_001166111.2); c.2500C>T, p.Arg834Ter (NM_001166112.2); c.2581C>T, p.Arg861Ter (NM_001166113.1, NM_006702.5); short protein forms R834*, R899*, R861*, R909*.
Identifiers: ClinVar variation 4722956 (VCV004722956.1).